The following is an entry in ClinVar:

NM_001013838.3(CARMIL2):c.1334+1G>T

Gene: CARMIL2 (capping protein regulator and myosin 1 linker 2; plus strand). Cytogenetic location: 16q22.1.
Variant type: single nucleotide variant.
Coding change: c.1334+1G>T on transcript NM_001013838.3 (MANE Select); the canonical splice donor site of the intron after coding-DNA position 1334, G replaced by T.
Molecular consequence: splice donor variant.
Genome position (GRCh38, 1-based): chr16:67,648,315, G>T. VCF-style: chr16-67648315-G-T. GRCh37 (hg19) VCF-style: chr16-67682218-G-T.
Other names: c.1226+1G>T (NM_001317026.3).
Identifiers: ClinVar variation 1339528 (VCV001339528.5), dbSNP rs780608299, ClinGen allele CA396336256.

ClinVar aggregate classification (germline): Likely pathogenic. Review status: criteria provided, multiple submitters, no conflicts (2 of 4 stars). 2 submissions from 2 submitters: Likely pathogenic (2). Last evaluated 2022-12-22.

Conditions:
Severe combined immunodeficiency due to CARMIL2 deficiency. Also called: IMMUNODEFICIENCY 58. Identifiers: Orphanet 542301, MedGen C4748304, MONDO:0029134, OMIM 618131.

gnomAD v4.1: 1 of 1,586,588 alleles (0.000063%); highest among the groups gnomAD compares: Non-Finnish European, 0.000085%; no homozygotes.

Submissions (2):

Labcorp Genetics (formerly Invitae), Labcorp
Classification: Likely pathogenic. Last evaluated: 2022-12-22. Review status: criteria provided, single submitter. Criteria: Invitae Variant Classification Sherloc (09022015). Collection method: clinical testing. Allele origin: germline.
Comment: In summary, the currently available evidence indicates that the variant is pathogenic, but additional data are needed to prove that conclusively. Therefore, this variant has been classified as Likely Pathogenic. This sequence change affects a donor splice site in intron 14 of the CARMIL2 gene. It is expected to disrupt RNA splicing. Variants that disrupt the donor or acceptor splice site typically lead to a loss of protein function (PMID: 16199547), and loss-of-function variants in CARMIL2 are known to be pathogenic (PMID: 27647349, 28112205). This variant is not present in population databases (gnomAD no frequency). This variant has not been reported in the literature in individuals affected with CARMIL2-related conditions. ClinVar contains an entry for this variant (Variation ID: 1339528). Algorithms developed to predict the effect of sequence changes on RNA splicing suggest that this variant may disrupt the consensus splice site.

Genomics Facility, Ludwig-Maximilians-Universität München
Classification: Likely pathogenic for Severe combined immunodeficiency due to CARMIL2 deficiency. Last evaluated: 2021-12-28. Review status: criteria provided, single submitter. Criteria: ACMG Guidelines, 2015. Collection method: clinical testing. Allele origin: unknown. Inheritance: Autosomal recessive inheritance. Affected: yes.

Literature cited by the submitters: PubMed 16199547 (cited by Labcorp Genetics (formerly Invitae), Labcorp); PubMed 27647349 (cited by Labcorp Genetics (formerly Invitae), Labcorp); PubMed 28112205 (cited by Labcorp Genetics (formerly Invitae), Labcorp and Genomics Facility, Ludwig-Maximilians-Universität München).